The following is an entry in ClinVar:

ClinVar aggregate classification (germline): Uncertain significance (1 of 4 stars; one submission).

Conditions:
Primary dilated cardiomyopathy (DCM). Also called: Dilated Cardiomyopathy. Identifiers: Orphanet 217604, MedGen C0007193, MeSH D002311, MONDO:0005021, HP:0001644. Inheritance: Various modes of inheritance.

Allele frequency attached by ClinVar (database versions not stated): gnomAD exomes below 0.00001; TOPMed below 0.00001.
gnomAD v4.1: 4 of 1,614,228 alleles (0.00025%); highest among the groups gnomAD compares: Non-Finnish European, 0.00025%; no homozygotes.

Submission:

Labcorp Genetics (formerly Invitae), Labcorp
Classification: Uncertain significance for Primary dilated cardiomyopathy. Last evaluated: 2025-07-08. Review status: criteria provided, single submitter. Criteria: Invitae Variant Classification Sherloc (09022015). Collection method: clinical testing. Allele origin: germline.
Comment: This sequence change replaces histidine, which is basic and polar, with tyrosine, which is neutral and polar, at codon 130 of the FHL2 protein (p.His130Tyr). This variant is present in population databases (no rsID available, gnomAD 0.004%). This variant has not been reported in the literature in individuals affected with FHL2-related conditions. ClinVar contains an entry for this variant (Variation ID: 1015549). Invitae Evidence Modeling of protein sequence and biophysical properties (such as structural, functional, and spatial information, amino acid conservation, physicochemical variation, residue mobility, and thermodynamic stability) indicates that this missense variant is not expected to disrupt FHL2 protein function with a negative predictive value of 80%. In summary, the available evidence is currently insufficient to determine the role of this variant in disease. Therefore, it has been classified as a Variant of Uncertain Significance.

NM_001318895.3(FHL2):c.388C>T (p.His130Tyr)

Genes: C2orf49 (chromosome 2 open reading frame 49; plus strand), FHL2 (four and a half LIM domains 2; minus strand). Cytogenetic location: 2q12.2.
Variant type: single nucleotide variant.
Coding change: c.388C>T on transcript NM_001318895.3 (MANE Select); coding-DNA position 388, C replaced by T.
Protein change: p.His130Tyr; replaces histidine 130 with tyrosine.
Molecular consequence: missense variant.
Genome position (GRCh38, 1-based): chr2:105,367,683, G>A on the plus strand (C>T on the coding strand, the complement: FHL2 is on the minus strand). VCF-style: chr2-105367683-G-A. GRCh37 (hg19) VCF-style: chr2-105984140-G-A.
Other names: c.388C>T, p.His130Tyr (NM_001039492.3, NM_001318894.1, NM_001318896.2 and 4 more transcripts); c.46C>T, p.His16Tyr (NM_001318897.2, NM_001318898.2); c.64C>T, p.His22Tyr (NM_001318899.2); short protein forms H130Y, H16Y, H22Y.
Identifiers: ClinVar variation 1015549 (VCV001015549.5), dbSNP rs983602593, ClinGen allele CA53352731.